The following is an entry in ClinVar:

ClinVar aggregate classification (germline): Uncertain significance (1 of 4 stars; one submission).

Conditions:
Autosomal dominant nonsyndromic hearing loss 4A. Also called: Deafness, autosomal dominant 4A. Identifiers: Orphanet 90635, MedGen C1833503, MONDO:0010915, OMIM 600652.
Peripheral neuropathy-myopathy-hoarseness-hearing loss syndrome. Identifiers: Orphanet 397744, MedGen C3280556, MONDO:0013711, OMIM 614369.

Submission:

Juno Genomics, Hangzhou Juno Genomics, Inc
Classification: Uncertain significance for Peripheral neuropathy-myopathy-hoarseness-hearing loss syndrome; Autosomal dominant nonsyndromic hearing loss 4A. Review status: criteria provided, single submitter. Criteria: ACMG Guidelines, 2015. Collection method: clinical testing. Allele origin: germline. Affected: yes.
Comment: Absent from controls (or at extremely low frequency if recessive) in Genome Aggregation Database, Exome Sequencing Project, 1000 Genomes Project, or Exome Aggregation Consortium.;Multiple lines of computational evidence support a deleterious effect on the gene or gene product (conservation, evolutionary, splicing impact, etc).

NM_001145809.2(MYH14):c.2282G>C (p.Gly761Ala)

Gene: MYH14 (myosin heavy chain 14; plus strand). Cytogenetic location: 19q13.33.
Variant type: single nucleotide variant.
Coding change: c.2282G>C on transcript NM_001145809.2 (MANE Select); coding-DNA position 2282, G replaced by C.
Protein change: p.Gly761Ala; replaces glycine 761 with alanine.
Molecular consequence: missense variant.
Genome position (GRCh38, 1-based): chr19:50,259,193, G>C. VCF-style: chr19-50259193-G-C. GRCh37 (hg19) VCF-style: chr19-50762450-G-C.
Other names: c.2183G>C, p.Gly728Ala (NM_001077186.2); c.2159G>C, p.Gly720Ala (NM_024729.4); short protein forms G720A, G728A, G761A.
Identifiers: ClinVar variation 3392502 (VCV003392502.2).